The following is an entry in ClinVar:

NM_003742.4(ABCB11):c.3272del (p.Pro1091fs)

Gene: ABCB11 (ATP binding cassette subfamily B member 11; minus strand). Cytogenetic location: 2q31.1.
Variant type: Deletion.
Coding change: c.3272del on transcript NM_003742.4 (MANE Select); coding-DNA position 3272, one base deleted (C; older notation c.3272delC).
Protein change: p.Pro1091fs; shifts the reading frame from proline 1091.
Molecular consequence: frameshift variant.
Genome position (GRCh38, 1-based): chr2:168,930,804, G deleted on the plus strand (C on the coding strand, the reverse complement: ABCB11 is on the minus strand); the first of 2 consecutive G bases (chr2:168,930,804-168,930,805); deleting either gives the same sequence. VCF-style (leftmost placement, unchanged base first): chr2-168930803-AG-A. GRCh37 (hg19) VCF-style: chr2-169787313-AG-A.
Other names: c.3272delC (NM_003742.4); short protein forms P1091fs.
Identifiers: ClinVar variation 2832512 (VCV002832512.4), dbSNP rs1691536136, ClinGen allele CA1306207171.

ClinVar aggregate classification (germline): Pathogenic/Likely pathogenic. Review status: criteria provided, multiple submitters, no conflicts (2 of 4 stars). 2 submissions from 2 submitters: Pathogenic (1); Likely pathogenic (1). Last evaluated 2024-09-27.

Conditions:
Progressive familial intrahepatic cholestasis type 2. Identifiers: Orphanet 79304, MedGen C3489789, MONDO:0011156, OMIM 601847.

Submissions (2):

Natera, Inc.
Classification: Likely pathogenic for Progressive familial intrahepatic cholestasis type 2. Last evaluated: 2024-09-27. Review status: criteria provided, single submitter. Criteria: Natera Variant Classification Schema (03/2026). Collection method: clinical testing. Allele origin: germline.
Comment: The c.3272delC variant in ABCB11 is a frameshift variant predicted to shift the reading frame beginning at codon 1091 and leads to a stop codon 6 codons downstream. This variant is expected to result in nonsense mediated decay, truncation, or a dysfunctional protein product. This variant is rare in the general population with a frequency below the threshold expected for the associated phenotype(s). Given the available evidence, this variant is classified as Likely Pathogenic.

Labcorp Genetics (formerly Invitae), Labcorp
Classification: Pathogenic. Last evaluated: 2023-01-28. Review status: criteria provided, single submitter. Criteria: Invitae Variant Classification Sherloc (09022015). Collection method: clinical testing. Allele origin: germline.
Comment: For these reasons, this variant has been classified as Pathogenic. This variant has not been reported in the literature in individuals affected with ABCB11-related conditions. This variant is not present in population databases (gnomAD no frequency). This sequence change creates a premature translational stop signal (p.Pro1091Leufs*6) in the ABCB11 gene. It is expected to result in an absent or disrupted protein product. Loss-of-function variants in ABCB11 are known to be pathogenic (PMID: 18395098, 20232290).

Literature cited by the submitters: PubMed 18395098 (cited by Labcorp Genetics (formerly Invitae), Labcorp); PubMed 20232290 (cited by Labcorp Genetics (formerly Invitae), Labcorp).